The following is an entry in ClinVar:

NM_001655.5(ARCN1):c.365G>A (p.Arg122Gln)

Gene: ARCN1 (archain 1 coat protein complex I subunit delta; plus strand). Cytogenetic location: 11q23.3.
Variant type: single nucleotide variant.
Coding change: c.365G>A on transcript NM_001655.5 (MANE Select); coding-DNA position 365, G replaced by A.
Protein change: p.Arg122Gln; replaces arginine 122 with glutamine.
Molecular consequence: missense variant.
Genome position (GRCh38, 1-based): chr11:118,583,276, G>A. VCF-style: chr11-118583276-G-A. GRCh37 (hg19) VCF-style: chr11-118453991-G-A.
Other names: c.101G>A, p.Arg34Gln (NM_001142281.2); short protein forms R34Q, R122Q.
Identifiers: ClinVar variation 2108084 (VCV002108084.6), dbSNP rs1938701120, ClinGen allele CA382804317.

ClinVar aggregate classification (germline): Conflicting classifications of pathogenicity. Review status: criteria provided, conflicting classifications (1 of 4 stars). 3 submissions from 3 submitters: Uncertain significance (2); Likely benign (1). Last evaluated 2024-10-24.

Conditions:
Inborn genetic diseases. Identifiers: MedGen C0950123, MeSH D030342.

Allele frequency attached by ClinVar (database versions not stated): gnomAD exomes below 0.00001; gnomAD 0.00001; TOPMed 0.00001.
gnomAD v4.1: 4 of 1,614,006 alleles (0.00025%); highest among the groups gnomAD compares: African/African-American, 0.0013%; no homozygotes.

Submissions (3):

Labcorp Genetics (formerly Invitae), Labcorp
Classification: Likely benign. Last evaluated: 2024-10-24. Review status: criteria provided, single submitter. Criteria: Invitae Variant Classification Sherloc (09022015). Collection method: clinical testing. Allele origin: germline.

GeneDx
Classification: Uncertain significance. Last evaluated: 2023-03-24. Review status: criteria provided, single submitter. Criteria: GeneDx Variant Classification Process June 2021. Collection method: clinical testing. Allele origin: germline. Affected: yes.
Comment: Not observed at significant frequency in large population cohorts (gnomAD); In silico analysis supports that this missense variant has a deleterious effect on protein structure/function; Has not been previously published as pathogenic or benign to our knowledge

Ambry Genetics
Classification: Uncertain significance for Inborn genetic diseases. Last evaluated: 2021-07-14. Review status: criteria provided, single submitter. Criteria: Ambry Variant Classification Scheme 2023. Collection method: clinical testing. Allele origin: germline.